The following is an entry in ClinVar:

NM_015047.3(EMC1):c.2454C>T (p.Asn818=)

Genes: EMC1 (ER membrane protein complex subunit 1; minus strand), EMC1-AS1 (EMC1 antisense RNA 1; plus strand). Cytogenetic location: 1p36.13.
Variant type: single nucleotide variant.
Coding change: c.2454C>T on transcript NM_015047.3 (MANE Select); coding-DNA position 2454, C replaced by T.
Protein change: p.Asn818=; no amino-acid change (asparagine 818 retained).
Molecular consequence: synonymous variant.
Genome position (GRCh38, 1-based): chr1:19,222,757, G>A on the plus strand (C>T on the coding strand, the complement: EMC1 is on the minus strand). VCF-style: chr1-19222757-G-A. GRCh37 (hg19) VCF-style: chr1-19549251-G-A.
Other names: c.2451C>T, p.Asn817= (NM_001271427.2, NM_001271428.2); c.2388C>T, p.Asn796= (NM_001271429.2); c.2463C>T, p.Asn821= (NM_001375820.1); c.2460C>T, p.Asn820= (NM_001375821.1).
Identifiers: ClinVar variation 739966 (VCV000739966.46), dbSNP rs141218180, ClinGen allele CA652270.

ClinVar aggregate classification (germline): Likely benign. Review status: criteria provided, multiple submitters, no conflicts (2 of 4 stars). 6 submissions from 6 submitters: Likely benign (4). 2 of the submissions do not count toward it. Last evaluated 2026-01-14.

Conditions:
Retinal dystrophy. Also called: Inherited retinal dystrophy. Identifiers: Orphanet 71862, MedGen C0854723, MeSH D058499, MONDO:0019118, HP:0000556.

Allele frequency attached by ClinVar (database versions not stated): TOPMed 0.00015; gnomAD 0.00018 and 0.00019; gnomAD exomes 0.00018; ExAC 0.00019; ESP Exome Variant Server 0.00023.
gnomAD v4.1: 376 of 1,614,034 alleles (0.023%); highest among the groups gnomAD compares: Non-Finnish European, 0.029%; no homozygotes.

Submissions (6):

Labcorp Genetics (formerly Invitae), Labcorp
Classification: Likely benign. Last evaluated: 2026-01-14. Review status: criteria provided, single submitter. Criteria: Invitae Variant Classification Sherloc (09022015). Collection method: clinical testing. Allele origin: germline.

CeGaT Center for Human Genetics Tuebingen
Classification: Likely benign. Last evaluated: 2025-01-01. Review status: criteria provided, single submitter. Criteria: CeGaT Center For Human Genetics Tuebingen Variant Classification Criteria Version 2. Collection method: clinical testing. Allele origin: germline. Affected: yes. Observed: 2 variant alleles.
Comment: EMC1: BP4, BP7

Blueprint Genetics
Classification: Likely benign. Last evaluated: 2024-11-08. Review status: criteria provided, single submitter. Criteria: ACMG Guidelines, 2015. Collection method: clinical testing. Allele origin: germline.

Dept Of Ophthalmology, Nagoya University
Classification: Likely benign for Retinal dystrophy. Last evaluated: 2023-10-01. Review status: criteria provided, single submitter. Criteria: Submitter's publication. Collection method: research. Allele origin: germline. Affected: yes.

Clinical Genetics DNA and cytogenetics Diagnostics Lab, Erasmus MC, Erasmus Medical Center
Classification: Likely benign. Review status: no assertion criteria provided. Collection method: clinical testing. Allele origin: germline. Affected: yes. Study: VKGL Data-share Consensus. Not counted in ClinVar's aggregate classification.

Clinical Genetics, Academic Medical Center
Classification: Benign. Review status: no assertion criteria provided. Collection method: clinical testing. Allele origin: germline. Affected: yes. Study: VKGL Data-share Consensus. Not counted in ClinVar's aggregate classification.